The following is an entry in ClinVar:

ClinVar aggregate classification (germline): Uncertain significance (1 of 4 stars; one submission).

Submission:

GeneDx
Classification: Uncertain significance. Last evaluated: 2022-07-21. Review status: criteria provided, single submitter. Criteria: GeneDx Variant Classification Process June 2021. Collection method: clinical testing. Allele origin: germline. Affected: yes.
Comment: Not observed at significant frequency in large population cohorts (gnomAD); In silico analysis supports that this missense variant has a deleterious effect on protein structure/function; Has not been previously published as pathogenic or benign to our knowledge

NM_005909.5(MAP1B):c.111C>G (p.Phe37Leu)

Gene: MAP1B (microtubule associated protein 1B; plus strand). Cytogenetic location: 5q13.2.
Variant type: single nucleotide variant.
Coding change: c.111C>G on transcript NM_005909.5 (MANE Select); coding-DNA position 111, C replaced by G.
Protein change: p.Phe37Leu; replaces phenylalanine 37 with leucine.
Molecular consequence: missense variant.
Genome position (GRCh38, 1-based): chr5:72,107,642, C>G. VCF-style: chr5-72107642-C-G. GRCh37 (hg19) VCF-style: chr5-71403469-C-G.
Other names: short protein forms F37L.
Identifiers: ClinVar variation 2136093 (VCV002136093.1), dbSNP rs2478726262, ClinGen allele CA359986383.